The following is an entry in ClinVar:

NM_015426.5(POC1A):c.161C>T (p.Ala54Val)

Gene: POC1A (POC1 centriolar protein A; minus strand). Cytogenetic location: 3p21.2.
Variant type: single nucleotide variant.
Coding change: c.161C>T on transcript NM_015426.5 (MANE Select); coding-DNA position 161, C replaced by T.
Protein change: p.Ala54Val; replaces alanine 54 with valine.
Molecular consequence: missense variant.
Genome position (GRCh38, 1-based): chr3:52,149,930, G>A on the plus strand (C>T on the coding strand, the complement: POC1A is on the minus strand). VCF-style: chr3-52149930-G-A. GRCh37 (hg19) VCF-style: chr3-52183946-G-A.
Other names: c.161C>T, p.Ala54Val (NM_001161580.2); c.47C>T, p.Ala16Val (NM_001161581.2); short protein forms A54V, A16V.
Identifiers: ClinVar variation 1918952 (VCV001918952.3), dbSNP rs761891339, ClinGen allele CA2429718.

ClinVar aggregate classification (germline): Uncertain significance (1 of 4 stars; one submission).

Allele frequency attached by ClinVar (database versions not stated): TOPMed below 0.00001; ExAC 0.00001; gnomAD exomes 0.00001.
gnomAD v4.1: 3 of 1,613,896 alleles (0.00019%); highest among the groups gnomAD compares: Admixed American, 0.005%; no homozygotes.

Submission:

Labcorp Genetics (formerly Invitae), Labcorp
Classification: Uncertain significance. Last evaluated: 2022-07-21. Review status: criteria provided, single submitter. Criteria: Invitae Variant Classification Sherloc (09022015). Collection method: clinical testing. Allele origin: germline.
Comment: Algorithms developed to predict the effect of missense changes on protein structure and function are either unavailable or do not agree on the potential impact of this missense change (SIFT: "Not Available"; PolyPhen-2: "Probably Damaging"; Align-GVGD: "Not Available"). This sequence change replaces alanine, which is neutral and non-polar, with valine, which is neutral and non-polar, at codon 54 of the POC1A protein (p.Ala54Val). This variant is present in population databases (rs761891339, gnomAD 0.01%), including at least one homozygous and/or hemizygous individual. This variant has not been reported in the literature in individuals affected with POC1A-related conditions. In summary, the available evidence is currently insufficient to determine the role of this variant in disease. Therefore, it has been classified as a Variant of Uncertain Significance.